The following is an entry in ClinVar:

NM_003280.3(TNNC1):c.188A>C (p.Glu63Ala)

Gene: TNNC1 (troponin C1, slow skeletal and cardiac type; minus strand). Cytogenetic location: 3p21.1.
Variant type: single nucleotide variant.
Coding change: c.188A>C on transcript NM_003280.3 (MANE Select); coding-DNA position 188, A replaced by C.
Protein change: p.Glu63Ala; replaces glutamic acid 63 with alanine.
Molecular consequence: missense variant.
Genome position (GRCh38, 1-based): chr3:52,452,120, T>G on the plus strand (A>C on the coding strand, the complement: TNNC1 is on the minus strand). VCF-style: chr3-52452120-T-G. GRCh37 (hg19) VCF-style: chr3-52486136-T-G.
Other names: short protein forms E63A.
Identifiers: ClinVar variation 2943216 (VCV002943216.3), dbSNP rs2471444576, ClinGen allele CA353168079.
Genomic context (GRCh38, chr3:52,452,120, plus strand): 5'-CCAGCCAGCTGGGGTTCTTCTGGAGCCTGGGGAGGAGGGGGCTCACCGTCCTCGTCCACC[T>G]CATCGATCATCTCCTGCAGCTCCTCAGGGGTGGGGTTCTGGCCCAGCATCCTCATCACCT-3'
Protein context (NP_003271.1, residues 53-73): TPEELQEMID[Glu63Ala]VDEDGSGTVD

ClinVar aggregate classification (germline): Uncertain significance (1 of 4 stars; one submission).

Conditions:
Dilated cardiomyopathy 1Z (CMD1Z). Identifiers: Orphanet 154, MedGen C2678475, MONDO:0012745, OMIM 611879.
Hypertrophic cardiomyopathy 13. Also called: TNNC1-Related Familial Hypertrophic Cardiomyopathy. Identifiers: MedGen C2750472, MONDO:0013195, OMIM 613243.

Submission:

Labcorp Genetics (formerly Invitae), Labcorp
Classification: Uncertain significance for Hypertrophic cardiomyopathy 13; Dilated cardiomyopathy 1Z. Last evaluated: 2023-02-11. Review status: criteria provided, single submitter. Criteria: Invitae Variant Classification Sherloc (09022015). Collection method: clinical testing. Allele origin: germline.
Comment: This sequence change replaces glutamic acid, which is acidic and polar, with alanine, which is neutral and non-polar, at codon 63 of the TNNC1 protein (p.Glu63Ala). This variant is not present in population databases (gnomAD no frequency). This variant has not been reported in the literature in individuals affected with TNNC1-related conditions. Algorithms developed to predict the effect of missense changes on protein structure and function are either unavailable or do not agree on the potential impact of this missense change (SIFT: "Deleterious"; PolyPhen-2: "Probably Damaging"; Align-GVGD: "Class C15"). In summary, the available evidence is currently insufficient to determine the role of this variant in disease. Therefore, it has been classified as a Variant of Uncertain Significance.